The following is an entry in ClinVar:

ClinVar aggregate classification (germline): Uncertain significance (1 of 4 stars; one submission).

Allele frequency attached by ClinVar (database versions not stated): ExAC 0.00001; TOPMed 0.00001; gnomAD 0.00002; gnomAD exomes 0.00002.
gnomAD v4.1: 21 of 1,208,617 alleles (0.0017%); highest among the groups gnomAD compares: Non-Finnish European, 0.0021%; no homozygotes.

Submission:

Labcorp Genetics (formerly Invitae), Labcorp
Classification: Uncertain significance. Last evaluated: 2020-07-09. Review status: criteria provided, single submitter. Criteria: Invitae Variant Classification Sherloc (09022015). Collection method: clinical testing. Allele origin: germline.
Comment: In summary, the available evidence is currently insufficient to determine the role of this variant in disease. Therefore, it has been classified as a Variant of Uncertain Significance. Algorithms developed to predict the effect of sequence changes on RNA splicing suggest that this variant may create or strengthen a splice site, but this prediction has not been confirmed by published transcriptional studies. Algorithms developed to predict the effect of missense changes on protein structure and function are either unavailable or do not agree on the potential impact of this missense change (SIFT: "Deleterious"; PolyPhen-2: "Benign"; Align-GVGD: "Class C0"). This variant has not been reported in the literature in individuals with CACNA1F-related conditions. This variant is present in population databases (rs782324855, ExAC 0.002%). This sequence change replaces arginine with glutamine at codon 1622 of the CACNA1F protein (p.Arg1622Gln). The arginine residue is highly conserved and there is a small physicochemical difference between arginine and glutamine.

NM_001256789.3(CACNA1F):c.4832G>A (p.Arg1611Gln)

Genes: CACNA1F (calcium voltage-gated channel subunit alpha1 F; minus strand), LOC126863257 (BRD4-independent group 4 enhancer GRCh37_chrX:49065732-49066931; plus strand). Cytogenetic location: Xp11.23.
Variant type: single nucleotide variant.
Coding change: c.4832G>A on transcript NM_001256789.3 (MANE Select); coding-DNA position 4832, G replaced by A.
Protein change: p.Arg1611Gln; replaces arginine 1611 with glutamine.
Molecular consequence: missense variant.
Genome position (GRCh38, 1-based): chrX:49,209,383, C>T on the plus strand (G>A on the coding strand, the complement: CACNA1F is on the minus strand). VCF-style: chrX-49209383-C-T. GRCh37 (hg19) VCF-style: chrX-49065843-C-T.
Other names: c.4670G>A, p.Arg1557Gln (NM_001256790.3); c.4865G>A, p.Arg1622Gln (NM_005183.4); short protein forms R1557Q, R1611Q, R1622Q.
Identifiers: ClinVar variation 1011989 (VCV001011989.9), dbSNP rs782324855, ClinGen allele CA10410100.